The following is an entry in ClinVar:

ClinVar aggregate classification (germline): Uncertain significance (1 of 4 stars; one submission).

Conditions:
Familial intrahepatic cholestasis. Identifiers: Orphanet 284385, MedGen CN296401, MONDO:0017290.

Submission:

Genomenon, Inc
Classification: Uncertain significance for Familial intrahepatic cholestasis. Last evaluated: 2026-04-14. Review status: criteria provided, single submitter. Criteria: Genomenon Sequence Variant Interpretation Standards - Updated. Collection method: curation. Allele origin: germline. Affected: yes.
Comment: ABCB11 p.Gly188Trp (c.562G>T) is a missense variant that changes the amino acid at residue 188 from Glycine to Tryptophan. This variant has been observed in at least one proband with an ABCB11-related disorder (PMID:27050426). It is absent or not present at a significant frequency in gnomAD. In silico models predict that this variant is possibly or probably damaging. In conclusion, we classify ABCB11 p.Gly188Trp (c.562G>T) as a variant of uncertain significance.

Literature cited by the submitters: PubMed 27050426.

NM_003742.4(ABCB11):c.562G>T (p.Gly188Trp)

Gene: ABCB11 (ATP binding cassette subfamily B member 11; minus strand). Cytogenetic location: 2q31.1.
Variant type: single nucleotide variant.
Coding change: c.562G>T on transcript NM_003742.4 (MANE Select); coding-DNA position 562, G replaced by T.
Protein change: p.Gly188Trp; replaces glycine 188 with tryptophan.
Molecular consequence: missense variant.
Genome position (GRCh38, 1-based): chr2:168,995,398, C>A on the plus strand (G>T on the coding strand, the complement: ABCB11 is on the minus strand). VCF-style: chr2-168995398-C-A. GRCh37 (hg19) VCF-style: chr2-169851908-C-A.
Other names: short protein forms G188W.
Identifiers: ClinVar variation 4846015 (VCV004846015.1).